The following is an entry in ClinVar:

NM_006514.4(SCN10A):c.3133C>A (p.Pro1045Thr)

Genes: SCN10A (sodium voltage-gated channel alpha subunit 10; minus strand), LOC110121288 (VISTA enhancer hs2268; plus strand). Cytogenetic location: 3p22.2.
Variant type: single nucleotide variant.
Coding change: c.3133C>A on transcript NM_006514.4 (MANE Select); coding-DNA position 3133, C replaced by A.
Protein change: p.Pro1045Thr; replaces proline 1045 with threonine.
Molecular consequence: missense variant.
Genome position (GRCh38, 1-based): chr3:38,725,269, G>T on the plus strand (C>A on the coding strand, the complement: SCN10A is on the minus strand). VCF-style: chr3-38725269-G-T. GRCh37 (hg19) VCF-style: chr3-38766760-G-T.
Other names: p.Pro1045Thr; c.3130C>A, p.Pro1044Thr (NM_001293306.2); c.2839C>A, p.Pro947Thr (NM_001293307.2); short protein forms P1045T, P1044T, P947T.
Identifiers: ClinVar variation 240667 (VCV000240667.19), dbSNP rs73062575, ClinGen allele CA2320343.

ClinVar aggregate classification (germline): Benign/Likely benign. Review status: criteria provided, multiple submitters, no conflicts (2 of 4 stars). 9 submissions from 9 submitters: Benign (5); Likely benign (2). 2 of the submissions do not count toward it. Last evaluated 2026-02-01.

Conditions:
Cardiovascular phenotype. Identifiers: MedGen CN230736.
Brugada syndrome. Also called: Sudden unexpected nocturnal death syndrome; Sudden Unexplained Death Syndrome; Sudden Unexplained Nocturnal Death Syndrome (SUNDS); Sudden unexplained nocturnal death syndrome. Identifiers: Orphanet 130, MedGen C1142166, MONDO:0015263.

Allele frequency attached by ClinVar (database versions not stated): 1000 Genomes Project 0.00559; 1000 Genomes Project 30x 0.00578; ExAC 0.01490; gnomAD exomes 0.01552; TOPMed 0.01666; gnomAD 0.01743 and 0.01804; ESP Exome Variant Server 0.02268.

Submissions (9):

Labcorp Genetics (formerly Invitae), Labcorp
Classification: Benign for Brugada syndrome. Last evaluated: 2026-02-01. Review status: criteria provided, single submitter. Criteria: Invitae Variant Classification Sherloc (09022015). Collection method: clinical testing. Allele origin: germline.

Blueprint Genetics
Classification: Likely benign. Last evaluated: 2024-11-26. Review status: criteria provided, single submitter. Criteria: ACMG Guidelines, 2015. Collection method: clinical testing. Allele origin: germline.

Women's Health and Genetics/Laboratory Corporation of America, LabCorp
Classification: Likely benign. Last evaluated: 2023-04-21. Review status: criteria provided, single submitter. Criteria: LabCorp Variant Classification Summary - May 2015. Collection method: clinical testing. Allele origin: germline.

Mayo Clinic Laboratories, Mayo Clinic
Classification: Benign. Last evaluated: 2019-08-07. Review status: criteria provided, single submitter. Criteria: ACMG Guidelines, 2015. Collection method: clinical testing. Allele origin: germline. Observed: 71 variant alleles.

Ambry Genetics
Classification: Benign for Cardiovascular phenotype. Last evaluated: 2018-12-03. Review status: criteria provided, single submitter. Criteria: Ambry Variant Classification Scheme 2023. Collection method: clinical testing. Allele origin: germline.

GeneDx
Classification: Benign. Last evaluated: 2016-10-12. Review status: criteria provided, single submitter. Criteria: GeneDx Variant Classification (06012015). Collection method: clinical testing. Allele origin: germline. Affected: yes.
Comment: This variant is considered likely benign or benign based on one or more of the following criteria: it is a conservative change, it occurs at a poorly conserved position in the protein, it is predicted to be benign by multiple in silico algorithms, and/or has population frequency not consistent with disease.

Breakthrough Genomics
Classification: Benign. Review status: criteria provided, single submitter. Criteria: ACMG Guidelines, 2015. Collection method: not provided. Allele origin: germline. Inheritance: Autosomal dominant inheritance. Affected: yes.

Clinical Genetics, Academic Medical Center
Classification: Benign. Review status: no assertion criteria provided. Collection method: clinical testing. Allele origin: germline. Affected: yes. Study: VKGL Data-share Consensus. Not counted in ClinVar's aggregate classification.

Joint Genome Diagnostic Labs from Nijmegen and Maastricht, Radboudumc and MUMC+
Classification: Benign. Review status: no assertion criteria provided. Collection method: clinical testing. Allele origin: germline. Affected: yes. Study: VKGL Data-share Consensus. Not counted in ClinVar's aggregate classification.